The following is an entry in ClinVar:

NM_001040616.3(LINS1):c.937G>A (p.Glu313Lys)

Gene: LINS1 (lines homolog 1; minus strand). Cytogenetic location: 15q26.3.
Variant type: single nucleotide variant.
Coding change: c.937G>A on transcript NM_001040616.3 (MANE Select); coding-DNA position 937, G replaced by A.
Protein change: p.Glu313Lys; replaces glutamic acid 313 with lysine.
Molecular consequence: missense variant. On other transcripts: non-coding transcript variant (3).
Genome position (GRCh38, 1-based): chr15:100,573,936, C>T on the plus strand (G>A on the coding strand, the complement: LINS1 is on the minus strand). VCF-style: chr15-100573936-C-T. GRCh37 (hg19) VCF-style: chr15-101114141-C-T.
Other names: c.190G>A, p.Glu64Lys (NM_001352507.2); c.892G>A, p.Glu298Lys (NM_001352508.2); short protein forms E313K, E298K, E64K.
Identifiers: ClinVar variation 374936 (VCV000374936.2), dbSNP rs1057519019, ClinGen allele CA16043985.
Genomic context (GRCh38, chr15:100,573,936, plus strand): 5'-CCACCGCTACATGATGGTCTGGCGGCATTAAGGCAGGCACAGATCCACGACAGAGGTCTT[C>T]ACCCACTTTACAGAGAAGGCACTTTTTGAGGAATATGATGACCTTCCTTTTAACAAAAGC-3'
Protein context (NP_001035706.2, residues 303-323): LKKCLLCKVG[Glu313Lys]DLCRGSVPAL

ClinVar aggregate classification (germline): Likely pathogenic (0 of 4 stars; one submission).

Conditions:
Intellectual developmental disorder, autosomal recessive 27. Also called: Intellectual disability, autosomal recessive 27; Mental retardation, autosomal recessive 27. Identifiers: Orphanet 88616, MedGen C3280538, MONDO:0013702, OMIM 614340.

Submission:

Foundation for Research in Genetics and Endocrinology, FRIGE's Institute of Human Genetics
Classification: Likely pathogenic for Intellectual developmental disorder, autosomal recessive 27. Last evaluated: 2016-02-29. Review status: no assertion criteria provided. Collection method: research. Allele origin: germline. Inheritance: Autosomal recessive inheritance. Affected: yes. Observed: 1 variant allele, 1 homozygote.
Comment: Variant c.937G>A was found to be pathogenic by various online software like SIFT, Mutation Taster, Polyphen.